The following is an entry in ClinVar:

ClinVar aggregate classification (germline): Uncertain significance (0 of 4 stars; one submission).

Conditions:
NEK1-related disorder. Also called: NEK1-related condition.

gnomAD v4.1: 18 of 1,613,808 alleles (0.0011%); highest among the groups gnomAD compares: Non-Finnish European, 0.0014%; no homozygotes.

Submission:

PreventionGenetics, part of Exact Sciences
Classification: Uncertain significance for NEK1-related condition. Last evaluated: 2024-06-15. Review status: no assertion criteria provided. Collection method: clinical testing. Allele origin: germline.
Comment: The NEK1 c.3455A>C variant is predicted to result in the amino acid substitution p.Asp1152Ala. To our knowledge, this variant has not been reported in the literature. This variant is reported in 0.0016% of alleles in individuals of European (Non-Finnish) descent in gnomAD. At this time, the clinical significance of this variant is uncertain due to the absence of conclusive functional and genetic evidence.

NM_001199397.3(NEK1):c.3539A>C (p.Asp1180Ala)

Gene: NEK1 (NIMA related kinase 1; minus strand). Cytogenetic location: 4q33.
Variant type: single nucleotide variant.
Coding change: c.3539A>C on transcript NM_001199397.3 (MANE Select); coding-DNA position 3539, A replaced by C.
Protein change: p.Asp1180Ala; replaces aspartic acid 1180 with alanine.
Molecular consequence: missense variant. On other transcripts: non-coding transcript variant (1).
Genome position (GRCh38, 1-based): chr4:169,401,696, T>G on the plus strand (A>C on the coding strand, the complement: NEK1 is on the minus strand). VCF-style: chr4-169401696-T-G. GRCh37 (hg19) VCF-style: chr4-170322847-T-G.
Other names: c.3407A>C, p.Asp1136Ala (NM_001199398.3); c.3248A>C, p.Asp1083Ala (NM_001199399.3); c.3323A>C, p.Asp1108Ala (NM_001199400.3); c.3539A>C, p.Asp1180Ala (NM_001374418.1); c.3455A>C, p.Asp1152Ala (NM_001374419.1, NM_012224.4); c.3404A>C, p.Asp1135Ala (NM_001374420.1); c.3056A>C, p.Asp1019Ala (NM_001374421.1); short protein forms D1019A, D1083A, D1108A, D1135A, D1136A, D1152A, D1180A.
Identifiers: ClinVar variation 3354991 (VCV003354991.1).